The following is an entry in ClinVar:

ClinVar aggregate classification (germline): Pathogenic (1 of 4 stars; one submission).

Submission:

Labcorp Genetics (formerly Invitae), Labcorp
Classification: Pathogenic. Last evaluated: 2022-05-18. Review status: criteria provided, single submitter. Criteria: Invitae Variant Classification Sherloc (09022015). Collection method: clinical testing. Allele origin: germline.
Comment: For these reasons, this variant has been classified as Pathogenic. ClinVar contains an entry for this variant (Variation ID: 958371). This premature translational stop signal has been observed in individual(s) with clinical features of hypophosphatemic rickets (PMID: 22577109, 30682568). This variant is not present in population databases (gnomAD no frequency). This sequence change creates a premature translational stop signal (p.Trp456*) in the PHEX gene. It is expected to result in an absent or disrupted protein product. Loss-of-function variants in PHEX are known to be pathogenic (PMID: 9097956, 9106524, 19219621).

Literature cited by the submitters: PubMed 22577109; PubMed 30682568; PubMed 9097956; PubMed 9106524; PubMed 19219621.

NM_000444.6(PHEX):c.1368G>A (p.Trp456Ter)

Gene: PHEX (phosphate regulating endopeptidase X-linked; plus strand). Cytogenetic location: Xp22.11.
Variant type: single nucleotide variant.
Coding change: c.1368G>A on transcript NM_000444.6 (MANE Select); coding-DNA position 1368, G replaced by A.
Protein change: p.Trp456Ter; replaces tryptophan 456 with a stop codon.
Molecular consequence: nonsense.
Genome position (GRCh38, 1-based): chrX:22,133,588, G>A. VCF-style: chrX-22133588-G-A. GRCh37 (hg19) VCF-style: chrX-22151705-G-A.
Other names: c.1368G>A, p.Trp456Ter (NM_001282754.2); short protein forms W456*.
Identifiers: ClinVar variation 958371 (VCV000958371.9), dbSNP rs886043680, ClinGen allele CA412574680.